The following is an entry in ClinVar:

ClinVar aggregate classification (germline): Likely benign (0 of 4 stars; one submission).

Conditions:
UTP4-related disorder. Also called: UTP4-related condition.

Allele frequency attached by ClinVar (database versions not stated): ExAC 0.00002; gnomAD 0.00002.
gnomAD v4.1: 36 of 1,614,088 alleles (0.0022%); highest among the groups gnomAD compares: South Asian, 0.0099%; no homozygotes.

Submission:

PreventionGenetics, part of Exact Sciences
Classification: Likely benign for UTP4-related condition. Last evaluated: 2021-12-29. Review status: no assertion criteria provided. Collection method: clinical testing. Allele origin: germline.
Comment: This variant is classified as likely benign based on ACMG/AMP sequence variant interpretation guidelines (Richards et al. 2015 PMID: 25741868, with internal and published modifications).

NM_032830.3(UTP4):c.768C>T (p.Ala256=)

Gene: UTP4 (UTP4 small subunit processome component). Cytogenetic location: 16q22.1.
Variant type: single nucleotide variant.
Coding change: c.768C>T on transcript NM_032830.3 (MANE Select); coding-DNA position 768, C replaced by T.
Protein change: p.Ala256=; no amino-acid change (alanine 256 retained).
Molecular consequence: synonymous variant.
Genome position (GRCh38, 1-based): chr16:69,150,566, C>T. VCF-style: chr16-69150566-C-T. GRCh37 (hg19) VCF-style: chr16-69184469-C-T.
Other names: c.519C>T, p.Ala173= (NM_001318391.2).
Identifiers: ClinVar variation 3032856 (VCV003032856.2), dbSNP rs755447937, ClinGen allele CA8132181.